The following is an entry in ClinVar:

ClinVar aggregate classification (germline): Uncertain significance. Review status: criteria provided, multiple submitters, no conflicts (2 of 4 stars). 2 submissions from 2 submitters: Uncertain significance (2). Last evaluated 2023-11-02.

Conditions:
Inborn genetic diseases. Identifiers: MedGen C0950123, MeSH D030342.

Allele frequency attached by ClinVar (database versions not stated): ExAC 0.00001; gnomAD 0.00001; TOPMed 0.00002; gnomAD exomes 0.00011; 1000 Genomes Project 30x 0.00016; 1000 Genomes Project 0.00020.
gnomAD v4.1: 153 of 1,614,236 alleles (0.0095%); highest among the groups gnomAD compares: Non-Finnish European, 0.013%; no homozygotes.

Submissions (2):

Ambry Genetics
Classification: Uncertain significance for Inborn genetic diseases. Last evaluated: 2023-11-02. Review status: criteria provided, single submitter. Criteria: Ambry Variant Classification Scheme 2023. Collection method: clinical testing. Allele origin: germline.

Labcorp Genetics (formerly Invitae), Labcorp
Classification: Uncertain significance. Last evaluated: 2022-02-19. Review status: criteria provided, single submitter. Criteria: Invitae Variant Classification Sherloc (09022015). Collection method: clinical testing. Allele origin: germline.
Comment: In summary, the available evidence is currently insufficient to determine the role of this variant in disease. Therefore, it has been classified as a Variant of Uncertain Significance. Algorithms developed to predict the effect of missense changes on protein structure and function (SIFT, PolyPhen-2, Align-GVGD) all suggest that this variant is likely to be tolerated. This variant has not been reported in the literature in individuals affected with C2CD3-related conditions. This variant is present in population databases (rs576006031, gnomAD 0.004%). This sequence change replaces threonine, which is neutral and polar, with serine, which is neutral and polar, at codon 1610 of the C2CD3 protein (p.Thr1610Ser).

NM_001286577.2(C2CD3):c.4829C>G (p.Thr1610Ser)

Gene: C2CD3 (C2 domain containing 3 centriole elongation regulator; minus strand). Cytogenetic location: 11q13.4.
Variant type: single nucleotide variant.
Coding change: c.4829C>G on transcript NM_001286577.2 (MANE Select); coding-DNA position 4829, C replaced by G.
Protein change: p.Thr1610Ser; replaces threonine 1610 with serine.
Molecular consequence: missense variant.
Genome position (GRCh38, 1-based): chr11:74,074,375, G>C on the plus strand (C>G on the coding strand, the complement: C2CD3 is on the minus strand). VCF-style: chr11-74074375-G-C. GRCh37 (hg19) VCF-style: chr11-73785420-G-C.
Other names: c.4829C>G, p.Thr1610Ser (NM_015531.6); c.4829C>G (NM_015531.4); short protein forms T1610S.
Identifiers: ClinVar variation 2052433 (VCV002052433.3), dbSNP rs576006031, ClinGen allele CA6182059.
Genomic context (GRCh38, chr11:74,074,375, plus strand): 5'-TCAGCAGGGCCCTCCTGCGTCAGGCGGACTTCAGCTGTGGTGCTGCTGCAGGGGACCTGG[G>C]TGGAGGCAGGAGACTTCTGGTGGCAGGAGATGACTTCTGGTGGAGAGAGCTGGACCTCAT-3'
Protein context (NP_001273506.1, residues 1600-1620): ISCHQKSPAS[Thr1610Ser]QVPCSSTTAE